The following is an entry in ClinVar:

NM_022455.5(NSD1):c.7940_7943del (p.Gln2647fs)

Gene: NSD1 (nuclear receptor binding SET domain protein 1; plus strand). Cytogenetic location: 5q35.3.
Variant type: Deletion.
Coding change: c.7940_7943del on transcript NM_022455.5 (MANE Select); coding-DNA positions 7940 to 7943, 4 bases deleted (AGTC; older notation c.7940_7943delAGTC).
Protein change: p.Gln2647fs; shifts the reading frame from glutamine 2647.
Molecular consequence: frameshift variant.
Genome position (GRCh38, 1-based): chr5:177,295,308-177,295,311, AGTC deleted; deleting any 4 consecutive bases within chr5:177,295,307-177,295,311 gives the same sequence; the c. name uses the placement nearest the transcript's 3' end. VCF-style (leftmost placement, unchanged base first): chr5-177295306-ACAGT-A. GRCh37 (hg19) VCF-style: chr5-176722307-ACAGT-A.
Other names: c.7067_7070del, p.Gln2356fs (NM_001365684.2, NM_001409308.1, NM_172349.5); c.7940_7943del, p.Gln2647fs (NM_001409301.1, NM_001409302.1, NM_001409303.1); c.7520_7523del, p.Gln2507fs (NM_001409304.1); c.7187_7190del, p.Gln2396fs (NM_001409305.1); c.7178_7181del, p.Gln2393fs (NM_001409306.1, NM_001409307.1); c.6818_6821del, p.Gln2273fs (NM_001409309.1); short protein forms Q2273fs, Q2393fs, Q2396fs, Q2507fs, Q2356fs, Q2647fs.
Identifiers: ClinVar variation 3656614 (VCV003656614.2).
Genomic context (GRCh38, chr5:177,295,306, plus strand): 5'-CCTGGGAAAAGCCTCATCACGGGCAGGGCTCTGGCCCATAGTGGCTGGACAGACACTGGC[ACAGT>A]CTTGCTGGTCTGCTGGGAGCACACAGACATTGGCACAGACTTGCTGGTCTCTTGGAAGAG-3'

ClinVar aggregate classification (germline): Pathogenic (1 of 4 stars; one submission).

Submission:

Labcorp Genetics (formerly Invitae), Labcorp
Classification: Pathogenic. Last evaluated: 2024-06-13. Review status: criteria provided, single submitter. Criteria: Invitae Variant Classification Sherloc (09022015). Collection method: clinical testing. Allele origin: germline.
Comment: This sequence change results in a frameshift in the NSD1 gene (p.Gln2647Leufs*113). While this is not anticipated to result in nonsense mediated decay, it is expected to disrupt the last 50 amino acid(s) of the NSD1 protein and extend the protein by 62 additional amino acid residues. This variant is not present in population databases (gnomAD no frequency). This variant has not been reported in the literature in individuals affected with NSD1-related conditions. This variant results in an extension of the NSD1 protein. Other variant(s) that result in a similarly extended protein product (p.Asn2682Thrfs*79) have been determined to be pathogenic (Invitae). This suggests that these extensions are likely to be disease-causing. For these reasons, this variant has been classified as Pathogenic.